The following is an entry in ClinVar:

ClinVar aggregate classification (germline): Uncertain significance (1 of 4 stars; one submission).

Conditions:
Cataract 21 multiple types. Also called: CATARACT 21, MULTIPLE TYPES, WITH OR WITHOUT MICROCORNEA; CATARACT 21, CERULEAN, WITH OR WITHOUT MICROCORNEA; CATARACT 21, MULTIPLE TYPES, WITH MICROCORNEA; Cataract, congenital, cerulean type, 4. Identifiers: Orphanet 91492, MedGen C1857768, MONDO:0012437, OMIM 610202.
Ayme-Gripp syndrome. Also called: Aymé-Gripp Syndrome. Identifiers: MedGen C1832812, MONDO:0010992, OMIM 601088.

Submission:

Labcorp Genetics (formerly Invitae), Labcorp
Classification: Uncertain significance for Cataract 21 multiple types; Ayme-Gripp syndrome. Last evaluated: 2022-10-19. Review status: criteria provided, single submitter. Criteria: Invitae Variant Classification Sherloc (09022015). Collection method: clinical testing. Allele origin: germline.
Comment: In summary, the available evidence is currently insufficient to determine the role of this variant in disease. Therefore, it has been classified as a Variant of Uncertain Significance. Advanced modeling of protein sequence and biophysical properties (such as structural, functional, and spatial information, amino acid conservation, physicochemical variation, residue mobility, and thermodynamic stability) performed at Invitae indicates that this missense variant is expected to disrupt MAF protein function. This variant has not been reported in the literature in individuals affected with MAF-related conditions. This variant is not present in population databases (gnomAD no frequency). This sequence change replaces lysine, which is basic and polar, with glutamic acid, which is acidic and polar, at codon 308 of the MAF protein (p.Lys308Glu).

NM_005360.5(MAF):c.922A>G (p.Lys308Glu)

Gene: MAF (MAF bZIP transcription factor; minus strand). Cytogenetic location: 16q23.2.
Variant type: single nucleotide variant.
Coding change: c.922A>G on transcript NM_005360.5 (MANE Select); coding-DNA position 922, A replaced by G.
Protein change: p.Lys308Glu; replaces lysine 308 with glutamic acid.
Molecular consequence: missense variant.
Genome position (GRCh38, 1-based): chr16:79,598,981, T>C on the plus strand (A>G on the coding strand, the complement: MAF is on the minus strand). VCF-style: chr16-79598981-T-C. GRCh37 (hg19) VCF-style: chr16-79632878-T-C.
Other names: c.922A>G, p.Lys308Glu (NM_001031804.3); short protein forms K308E.
Identifiers: ClinVar variation 1721911 (VCV001721911.5), dbSNP rs2507654561, ClinGen allele CA396534946.